The following is an entry in ClinVar:

NM_000256.3(MYBPC3):c.3633_3634del (p.Lys1211fs)

Gene: MYBPC3 (myosin binding protein C3; minus strand). Cytogenetic location: 11p11.2.
Variant type: Deletion.
Coding change: c.3633_3634del on transcript NM_000256.3 (MANE Select); coding-DNA positions 3633 to 3634, 2 bases deleted (GA; older notation c.3633_3634delGA).
Protein change: p.Lys1211fs; shifts the reading frame from lysine 1211.
Molecular consequence: frameshift variant.
Genome position (GRCh38, 1-based): chr11:47,332,252-47,332,253, TC deleted on the plus strand (GA on the coding strand, the reverse complement: MYBPC3 is on the minus strand); deleting any 2 consecutive bases within chr11:47,332,252-47,332,254 gives the same sequence; the c. name uses the placement nearest the transcript's 3' end. VCF-style (leftmost placement, unchanged base first): chr11-47332251-ATC-A. GRCh37 (hg19) VCF-style: chr11-47353802-ATC-A.
Other names: short protein forms K1211fs.
Identifiers: ClinVar variation 4851432 (VCV004851432.1).
Genomic context (GRCh38, chr11:47,332,251, plus strand): 5'-TTGCTGAACATGCGGAAGCGGGCGTCTTCTCCCAGGTCCAGGCCATTCTTGAACCAGGAA[ATC>A]TTGGGCTATAAATAAGGTAAAGAGAGGGAGGGAAGCCATCCAGGCTGAGAGGGGACCTGG-3'

ClinVar aggregate classification (germline): Pathogenic (1 of 4 stars; one submission).

Conditions:
Hypertrophic cardiomyopathy 4. Also called: Familial hypertrophic cardiomyopathy 4. Identifiers: MedGen C1861862, MONDO:0007268, OMIM 115197.

Submission:

Institute of Immunology and Genetics Kaiserslautern
Classification: Pathogenic for Hypertrophic cardiomyopathy 4. Last evaluated: 2026-04-13. Review status: criteria provided, single submitter. Criteria: ACMG Guidelines, 2015. Collection method: clinical testing. Allele origin: germline. Affected: yes.
Comment: ACMG Criteria: PVS1, PM2; Variant was found in heterozygous state.